The following is an entry in ClinVar:

NM_000051.4(ATM):c.1042T>C (p.Leu348=)

Gene: ATM (ATM serine/threonine kinase; plus strand). Cytogenetic location: 11q22.3.
Variant type: single nucleotide variant.
Coding change: c.1042T>C on transcript NM_000051.4 (MANE Select); coding-DNA position 1042, T replaced by C.
Protein change: p.Leu348=; no amino-acid change (leucine 348 retained).
Molecular consequence: synonymous variant.
Genome position (GRCh38, 1-based): chr11:108,247,104, T>C. VCF-style: chr11-108247104-T-C. GRCh37 (hg19) VCF-style: chr11-108117831-T-C.
Other names: c.1042T>C, p.Leu348= (NM_001351834.2).
Identifiers: ClinVar variation 1102289 (VCV001102289.10), dbSNP rs746733866, ClinGen allele CA476671573.
Genomic context (GRCh38, chr11:108,247,104, plus strand): 5'-AGTAGAGGAAAGTATTCTTCAGGATTTCGTAATATTGCCGTCAAAGAAAATTTGATTGAA[T>C]TGATGGCAGATATCTGTCACCAGGTACAGTAAGTAGGTCATGTCACATTTAGAAATTTCC-3'
Protein context (NP_000042.3, residues 338-358): NIAVKENLIE[Leu348=]MADICHQVFN

ClinVar aggregate classification (germline): Benign/Likely benign. Review status: criteria provided, multiple submitters, no conflicts (2 of 4 stars). 2 submissions from 2 submitters: Benign (1); Likely benign (1). Last evaluated 2024-04-24.

Conditions:
Familial cancer of breast. Also called: hereditary breast carcinoma; Hereditary breast cancer; BREAST CANCER, FAMILIAL. Identifiers: Orphanet 227535, MedGen C0346153, MONDO:0016419, OMIM 114480. Disease mechanism: loss of function.
Ataxia-telangiectasia syndrome (AT). Also called: Cerebello-oculocutaneous telangiectasia; Immunodeficiency with ataxia telangiectasia; Ataxia-telangiectasia, complementation group D; AT, COMPLEMENTATION GROUP C; ATAXIA-TELANGIECTASIA, COMPLEMENTATION GROUP A; ATAXIA-TELANGIECTASIA, FRESNO VARIANT. Identifiers: Orphanet 100, MedGen C0004135, MONDO:0008840, OMIM 208900.

Submissions (2):

Myriad Genetics, Inc.
Classification: Benign for Familial cancer of breast. Last evaluated: 2024-04-24. Review status: criteria provided, single submitter. Criteria: Myriad Autosomal Dominant, Autosomal Recessive and X-Linked Classification Criteria (2023). Collection method: clinical testing. Allele origin: unknown.
Comment: This variant is considered benign. This variant is a silent/synonymous amino acid change and it is not expected to impact splicing.

Labcorp Genetics (formerly Invitae), Labcorp
Classification: Likely benign for Ataxia-telangiectasia syndrome. Last evaluated: 2020-09-16. Review status: criteria provided, single submitter. Criteria: Invitae Variant Classification Sherloc (09022015). Collection method: clinical testing. Allele origin: germline.